The following is an entry in ClinVar:

ClinVar aggregate classification (germline): Uncertain significance. Review status: criteria provided, multiple submitters, no conflicts (2 of 4 stars). 3 submissions from 3 submitters: Uncertain significance (3). Last evaluated 2024-05-14.

Conditions:
RYR1-related disorder. Also called: RYR1-related disorders; RYR1-related condition. Identifiers: MedGen CN239331.
Malignant hyperthermia, susceptibility to, 1 (MHS1). Also called: Malignant hyperthermia suceptibility 1; RYR1-Related Malignant Hyperthermia Susceptibility; Anesthesia related hyperthermia; Malignant hyperpyrexia; Fulminating hyperpyrexia; Pharmacogenic myopathy. Identifiers: Orphanet 423, MedGen C2930980, MONDO:0007783, OMIM 145600.

Allele frequency attached by ClinVar (database versions not stated): gnomAD exomes below 0.00001; ExAC 0.00001; gnomAD 0.00001; 1000 Genomes Project 30x 0.00016; 1000 Genomes Project 0.00020.
gnomAD v4.1: 2 of 1,613,638 alleles (0.00012%); highest among the groups gnomAD compares: East Asian, 0.0045%; no homozygotes.

Submissions (3):

All of Us Research Program, National Institutes of Health
Classification: Uncertain significance for Malignant hyperthermia, susceptibility to, 1. Last evaluated: 2024-05-14. Review status: criteria provided, single submitter. Criteria: ACMG Guidelines, 2015. Collection method: clinical testing. Allele origin: germline. Inheritance: Autosomal dominant inheritance. Observed: 1 variant allele, 1 heterozygote.
Comment: This missense variant replaces serine with alanine at codon 1770 of the RYR1 protein. Computational prediction suggests that this variant may not impact protein structure and function. To our knowledge, functional studies have not been reported for this variant. This variant has not been reported in individuals affected with RYR1-related disorders in the literature. This variant has been identified in 1/245224 chromosomes in the general population by the Genome Aggregation Database (gnomAD). The available evidence is insufficient to determine the role of this variant in disease conclusively. Therefore, this variant is classified as a Variant of Uncertain Significance.

This study involves interpretation of variants in research participants for the purpose of population health screening. Participant phenotype was not available at the time of variant classification. Additional details can be found in publication PMID: 35346344, PMCID: PMC8962531

Labcorp Genetics (formerly Invitae), Labcorp
Classification: Uncertain significance for RYR1-related disorder. Last evaluated: 2022-08-30. Review status: criteria provided, single submitter. Criteria: Invitae Variant Classification Sherloc (09022015). Collection method: clinical testing. Allele origin: germline.
Comment: This sequence change replaces serine, which is neutral and polar, with alanine, which is neutral and non-polar, at codon 1770 of the RYR1 protein (p.Ser1770Ala). This variant is present in population databases (rs571494344, gnomAD 0.01%). This variant has not been reported in the literature in individuals affected with RYR1-related conditions. ClinVar contains an entry for this variant (Variation ID: 224381). Advanced modeling of protein sequence and biophysical properties (such as structural, functional, and spatial information, amino acid conservation, physicochemical variation, residue mobility, and thermodynamic stability) performed at Invitae indicates that this missense variant is not expected to disrupt RYR1 protein function. In summary, the available evidence is currently insufficient to determine the role of this variant in disease. Therefore, it has been classified as a Variant of Uncertain Significance.

Biesecker Lab/Clinical Genomics Section, National Institutes of Health
Classification: Uncertain significance for Malignant hyperthermia, susceptibility to, 1. Last evaluated: 2013-07-01. Review status: criteria provided, single submitter. Criteria: Gonsalves et al. 2013. Collection method: research. Allele origin: unknown. Observed: 1 variant allele. Study: ClinSeq.
Comment: The study set was not selected for affection status in relation to any myopathy. Pathogenicity categories were based on literature curation. See Pubmed ID: 24195946 for details.

NM_000540.3(RYR1):c.5308T>G (p.Ser1770Ala)

Gene: RYR1 (ryanodine receptor 1; plus strand). Cytogenetic location: 19q13.2.
Variant type: single nucleotide variant.
Coding change: c.5308T>G on transcript NM_000540.3 (MANE Select); coding-DNA position 5308, T replaced by G.
Protein change: p.Ser1770Ala; replaces serine 1770 with alanine.
Molecular consequence: missense variant.
Genome position (GRCh38, 1-based): chr19:38,485,963, T>G. VCF-style: chr19-38485963-T-G. GRCh37 (hg19) VCF-style: chr19-38976603-T-G.
Other names: c.5308T>G, p.Ser1770Ala (NM_001042723.2); short protein forms S1770A.
Identifiers: ClinVar variation 224381 (VCV000224381.7), dbSNP rs571494344, ClinGen allele CA066870.
Genomic context (GRCh38, chr19:38,485,963, plus strand): 5'-GGAAGGAGCACAGAAAATGGTCACCCCCGGCATGGCCTGCCGGGAGTTGGAGTCACCACT[T>G]CGCTGAGGCCCCCGCATCATTTCTCGCCCCCCTGTTTCGTGGCCGCTCTGCCAGCTGCTG-3'
Protein context (NP_000531.2, residues 1760-1780): HGLPGVGVTT[Ser1770Ala]LRPPHHFSPP